The following is an entry in ClinVar:

NM_001034853.2(RPGR):c.2099_2138dup (p.Glu714fs)

Gene: RPGR (retinitis pigmentosa GTPase regulator; minus strand). Cytogenetic location: Xp11.4.
Variant type: Duplication.
Coding change: c.2099_2138dup on transcript NM_001034853.2 (MANE Select); coding-DNA positions 2099 to 2138, 40 bases duplicated.
Protein change: p.Glu714fs; shifts the reading frame from glutamic acid 714.
Molecular consequence: frameshift variant. On other transcripts: intron variant (8).
Genome position (GRCh38, 1-based): chrX:38,286,861-38,286,900, 40 bases duplicated. GRCh37 (hg19): chrX:38,146,114-38,146,153.
Other names: c.1569+4059_1569+4098dup (NM_001367249.1, NM_001367250.1); c.1902+194_1902+233dup (NM_001367245.1); c.1386+4059_1386+4098dup (NM_001367251.1); c.1719+194_1719+233dup (NM_001367246.1); c.1572+4059_1572+4098dup (NM_001367247.1); c.1905+194_1905+233dup (NM_000328.3); c.1602+4059_1602+4098dup (NM_001367248.1); short protein forms E714fs.
Identifiers: ClinVar variation 1997071 (VCV001997071.4), dbSNP rs2519793388, ClinGen allele CA2580100942.

ClinVar aggregate classification (germline): Pathogenic (1 of 4 stars; one submission).

Conditions:
Primary ciliary dyskinesia. Also called: Ciliary dyskinesia. Identifiers: Orphanet 244, MedGen C0008780, MONDO:0016575, HP:0012265.

Submission:

Labcorp Genetics (formerly Invitae), Labcorp
Classification: Pathogenic for Primary ciliary dyskinesia. Last evaluated: 2023-10-30. Review status: criteria provided, single submitter. Criteria: Invitae Variant Classification Sherloc (09022015). Collection method: clinical testing. Allele origin: germline.
Comment: This sequence change creates a premature translational stop signal (p.Glu714Argfs*69) in the RPGR (ORF15) gene. While this is not anticipated to result in nonsense mediated decay, it is expected to disrupt the last 439 amino acid(s) of the RPGR (ORF15) protein. This variant is not present in population databases (gnomAD no frequency). This variant has not been reported in the literature in individuals affected with RPGR (ORF15)-related conditions. ClinVar contains an entry for this variant (Variation ID: 1997071). This variant disrupts a region of the RPGR (ORF15) protein in which other variant(s) (p.Leu1130Lysfs*13) have been determined to be pathogenic (PMID: 22264887; Invitae). This suggests that this is a clinically significant region of the protein, and that variants that disrupt it are likely to be disease-causing. For these reasons, this variant has been classified as Pathogenic.

Literature cited by the submitters: PubMed 22264887.